The following is an entry in ClinVar:

ClinVar aggregate classification (germline): Uncertain significance (1 of 4 stars; one submission).

Conditions:
Immunodeficiency, common variable, 7. Identifiers: Orphanet 1572, Orphanet 696894, MedGen C3542922, MONDO:0013862, OMIM 614699.

Allele frequency attached by ClinVar (database versions not stated): gnomAD exomes below 0.00001.
gnomAD v4.1: 1 of 1,613,912 alleles (0.000062%); highest among the groups gnomAD compares: Non-Finnish European, 0.000085%; no homozygotes.

Submission:

Labcorp Genetics (formerly Invitae), Labcorp
Classification: Uncertain significance for Immunodeficiency, common variable, 7. Last evaluated: 2022-08-02. Review status: criteria provided, single submitter. Criteria: Invitae Variant Classification Sherloc (09022015). Collection method: clinical testing. Allele origin: germline.
Comment: In summary, the available evidence is currently insufficient to determine the role of this variant in disease. Therefore, it has been classified as a Variant of Uncertain Significance. Algorithms developed to predict the effect of missense changes on protein structure and function are either unavailable or do not agree on the potential impact of this missense change (SIFT: "Tolerated"; PolyPhen-2: "Possibly Damaging"; Align-GVGD: "Class C0"). ClinVar contains an entry for this variant (Variation ID: 1004656). This variant has not been reported in the literature in individuals affected with CR2-related conditions. This variant is not present in population databases (gnomAD no frequency). This sequence change replaces valine, which is neutral and non-polar, with alanine, which is neutral and non-polar, at codon 896 of the CR2 protein (p.Val896Ala).

NM_001006658.3(CR2):c.2687T>C (p.Val896Ala)

Gene: CR2 (complement C3d receptor 2; plus strand). Cytogenetic location: 1q32.2.
Variant type: single nucleotide variant.
Coding change: c.2687T>C on transcript NM_001006658.3 (MANE Select); coding-DNA position 2687, T replaced by C.
Protein change: p.Val896Ala; replaces valine 896 with alanine.
Molecular consequence: missense variant.
Genome position (GRCh38, 1-based): chr1:207,475,187, T>C. VCF-style: chr1-207475187-T-C. GRCh37 (hg19) VCF-style: chr1-207648532-T-C.
Other names: c.2510T>C, p.Val837Ala (NM_001877.5); short protein forms V837A, V896A.
Identifiers: ClinVar variation 1004656 (VCV001004656.8), dbSNP rs1406696743, ClinGen allele CA344539464.